The following is an entry in ClinVar:

NM_003742.4(ABCB11):c.203G>A (p.Cys68Tyr)

Gene: ABCB11 (ATP binding cassette subfamily B member 11; minus strand). Cytogenetic location: 2q31.1.
Variant type: single nucleotide variant.
Coding change: c.203G>A on transcript NM_003742.4 (MANE Select); coding-DNA position 203, G replaced by A.
Protein change: p.Cys68Tyr; replaces cysteine 68 with tyrosine.
Molecular consequence: missense variant.
Genome position (GRCh38, 1-based): chr2:169,013,458, C>T on the plus strand (G>A on the coding strand, the complement: ABCB11 is on the minus strand). VCF-style: chr2-169013458-C-T. GRCh37 (hg19) VCF-style: chr2-169869968-C-T.
Other names: short protein forms C68Y.
Identifiers: ClinVar variation 3901483 (VCV003901483.3).

ClinVar aggregate classification (germline): Conflicting classifications of pathogenicity. Review status: criteria provided, conflicting classifications (1 of 4 stars). 3 submissions from 3 submitters: Likely pathogenic (2); Uncertain significance (1). Last evaluated 2026-04-14.

Conditions:
Progressive familial intrahepatic cholestasis type 2. Identifiers: Orphanet 79304, MedGen C3489789, MONDO:0011156, OMIM 601847.
Familial intrahepatic cholestasis. Identifiers: Orphanet 284385, MedGen CN296401, MONDO:0017290.

Submissions (3):

Genomenon, Inc
Classification: Uncertain significance for Familial intrahepatic cholestasis. Last evaluated: 2026-04-14. Review status: criteria provided, single submitter. Criteria: Genomenon Sequence Variant Interpretation Standards - Updated. Collection method: curation. Allele origin: germline. Affected: yes.
Comment: ABCB11 p.Cys68Tyr (c.203G>A) is a missense variant that changes the amino acid at residue 68 from Cysteine to Tyrosine. This variant has been observed in at least one proband with an ABCB11-related disorder (PMID:28425419). The variant was found to segregate with disease in at least one affected family (PMID:28425419). It has been observed in trans with a pathogenic or likely pathogenic variant (PMID:28425419). It is absent or not present at a significant frequency in gnomAD. In silico models predict that this variant is possibly or probably damaging. In conclusion, we classify ABCB11 p.Cys68Tyr (c.203G>A) as a variant of uncertain significance.

GeneDx
Classification: Likely pathogenic. Last evaluated: 2024-11-27. Review status: criteria provided, single submitter. Criteria: GeneDx Variant Classification Process June 2021. Collection method: clinical testing. Allele origin: germline. Affected: yes.
Comment: Not observed at significant frequency in large population cohorts (gnomAD); In silico analysis supports that this missense variant has a deleterious effect on protein structure/function; This variant is associated with the following publications: (PMID: 33201677, 22795478, 34016879, 28425419, 20683201)

Natera, Inc.
Classification: Likely pathogenic for Progressive familial intrahepatic cholestasis type 2. Last evaluated: 2024-09-03. Review status: criteria provided, single submitter. Criteria: Natera Variant Classification Schema (03/2026). Collection method: clinical testing. Allele origin: germline.
Comment: The c.203G>A variant in ABCB11 is a missense variant predicted to cause substitution of cysteine to tyrosine at amino acid 68. This variant is rare in the general population with a frequency below the threshold expected for the associated phenotype(s). This variant has been observed in one or more individuals affected with the associated recessive disease, as either homozygous or compound heterozygous with a second variant (PMID: 34016879, 28425419, 20683201). This variant has been observed to segregate in affected family members (PMID: 28425419). Computational prediction algorithms indicate this variant is likely to affect gene or protein function. Given the available evidence, this variant is classified as Likely Pathogenic.

Literature cited by the submitters: PubMed 28425419 (cited by Genomenon, Inc and Natera, Inc.); PubMed 34016879 (cited by Natera, Inc.); PubMed 20683201 (cited by Natera, Inc.).